The following is an entry in ClinVar:

NM_004369.4(COL6A3):c.4690C>G (p.Arg1564Gly)

Gene: COL6A3 (collagen type VI alpha 3 chain; minus strand). Cytogenetic location: 2q37.3.
Variant type: single nucleotide variant.
Coding change: c.4690C>G on transcript NM_004369.4 (MANE Select); coding-DNA position 4690, C replaced by G.
Protein change: p.Arg1564Gly; replaces arginine 1564 with glycine.
Molecular consequence: missense variant.
Genome position (GRCh38, 1-based): chr2:237,368,773, G>C on the plus strand (C>G on the coding strand, the complement: COL6A3 is on the minus strand). VCF-style: chr2-237368773-G-C. GRCh37 (hg19) VCF-style: chr2-238277416-G-C.
Other names: c.2869C>G, p.Arg957Gly (NM_057166.5); c.4072C>G, p.Arg1358Gly (NM_057167.4); short protein forms R1564G, R1358G, R957G.
Identifiers: ClinVar variation 501173 (VCV000501173.9), dbSNP rs200825417, ClinGen allele CA351192516.

ClinVar aggregate classification (germline): Uncertain significance. Review status: criteria provided, multiple submitters, no conflicts (2 of 4 stars). 2 submissions from 2 submitters: Uncertain significance (2). Last evaluated 2023-09-29.

Conditions:
Bethlem myopathy 1A. Also called: MYOPATHY, BENIGN CONGENITAL, WITH CONTRACTURES; Bethlem myopathy 1; Bethlem Muscular Dystrophy. Identifiers: Orphanet 610, MedGen CN029274, MONDO:0024530, OMIM 158810.

Submissions (2):

Labcorp Genetics (formerly Invitae), Labcorp
Classification: Uncertain significance for Bethlem myopathy 1A. Last evaluated: 2023-09-29. Review status: criteria provided, single submitter. Criteria: Invitae Variant Classification Sherloc (09022015). Collection method: clinical testing. Allele origin: germline.
Comment: This sequence change replaces arginine, which is basic and polar, with glycine, which is neutral and non-polar, at codon 1564 of the COL6A3 protein (p.Arg1564Gly). This variant is not present in population databases (gnomAD no frequency). This variant has not been reported in the literature in individuals affected with COL6A3-related conditions. ClinVar contains an entry for this variant (Variation ID: 501173). Advanced modeling of protein sequence and biophysical properties (such as structural, functional, and spatial information, amino acid conservation, physicochemical variation, residue mobility, and thermodynamic stability) performed at Invitae indicates that this missense variant is not expected to disrupt COL6A3 protein function. In summary, the available evidence is currently insufficient to determine the role of this variant in disease. Therefore, it has been classified as a Variant of Uncertain Significance.

Eurofins Ntd Llc (ga)
Classification: Uncertain significance. Last evaluated: 2018-06-21. Review status: criteria provided, single submitter. Criteria: EGL ClinVar v180209 classification definitions. Collection method: clinical testing. Allele origin: germline. Observed: 1 variant allele, 1 heterozygote.